The following is an entry in ClinVar:

ClinVar aggregate classification (germline): Uncertain significance (1 of 4 stars; one submission).

Conditions:
Immunodeficiency, common variable, 4. Also called: ANTIBODY DEFICIENCY DUE TO BAFFR DEFECT. Identifiers: Orphanet 1572, Orphanet 696925, MedGen C3150739, MONDO:0013284, OMIM 613494.

Submission:

Labcorp Genetics (formerly Invitae), Labcorp
Classification: Uncertain significance for Immunodeficiency, common variable, 4. Last evaluated: 2025-03-09. Review status: criteria provided, single submitter. Criteria: Invitae Variant Classification Sherloc (09022015). Collection method: clinical testing. Allele origin: germline.
Comment: This sequence change replaces leucine, which is neutral and non-polar, with proline, which is neutral and non-polar, at codon 38 of the TNFRSF13C protein (p.Leu38Pro). This variant is not present in population databases (gnomAD no frequency). This variant has not been reported in the literature in individuals affected with TNFRSF13C-related conditions. An algorithm developed to predict the effect of missense changes on protein structure and function (PolyPhen-2) suggests that this variant is likely to be disruptive. In summary, the available evidence is currently insufficient to determine the role of this variant in disease. Therefore, it has been classified as a Variant of Uncertain Significance.

NM_052945.4(TNFRSF13C):c.113T>C (p.Leu38Pro)

Genes: TNFRSF13C (TNF receptor superfamily member 13C; minus strand), LOC130067574 (ATAC-STARR-seq lymphoblastoid silent region 13813; plus strand). Cytogenetic location: 22q13.2.
Variant type: single nucleotide variant.
Coding change: c.113T>C on transcript NM_052945.4 (MANE Select); coding-DNA position 113, T replaced by C.
Protein change: p.Leu38Pro; replaces leucine 38 with proline.
Molecular consequence: missense variant.
Genome position (GRCh38, 1-based): chr22:41,926,661, A>G on the plus strand (T>C on the coding strand, the complement: TNFRSF13C is on the minus strand). VCF-style: chr22-41926661-A-G. GRCh37 (hg19) VCF-style: chr22-42322665-A-G.
Other names: short protein forms L38P.
Identifiers: ClinVar variation 4714737 (VCV004714737.1).